The following is an entry in ClinVar:

ClinVar aggregate classification (germline): Uncertain significance (1 of 4 stars; one submission).

Conditions:
Cardiovascular phenotype. Identifiers: MedGen CN230736.

Submission:

Ambry Genetics
Classification: Uncertain significance for Cardiovascular phenotype. Last evaluated: 2024-07-29. Review status: criteria provided, single submitter. Criteria: Ambry Variant Classification Scheme 2023. Collection method: clinical testing. Allele origin: germline.
Comment: The p.V1929I variant (also known as c.5785G>A), located in coding exon 42 of the ABCA1 gene, results from a G to A substitution at nucleotide position 5785. The valine at codon 1929 is replaced by isoleucine, an amino acid with highly similar properties. This amino acid position is conserved. In addition, the in silico prediction for this alteration is inconclusive. Based on the available evidence, the clinical significance of this variant remains unclear.

NM_005502.4(ABCA1):c.5785G>A (p.Val1929Ile)

Gene: ABCA1 (ATP binding cassette subfamily A member 1; minus strand). Cytogenetic location: 9q31.1.
Variant type: single nucleotide variant.
Coding change: c.5785G>A on transcript NM_005502.4 (MANE Select); coding-DNA position 5785, G replaced by A.
Protein change: p.Val1929Ile; replaces valine 1929 with isoleucine.
Molecular consequence: missense variant.
Genome position (GRCh38, 1-based): chr9:104,791,971, C>T on the plus strand (G>A on the coding strand, the complement: ABCA1 is on the minus strand). VCF-style: chr9-104791971-C-T. GRCh37 (hg19) VCF-style: chr9-107554252-C-T.
Other names: short protein forms V1929I.
Identifiers: ClinVar variation 3491720 (VCV003491720.1).